The following is an entry in ClinVar:

ClinVar aggregate classification (germline): Pathogenic (1 of 4 stars; one submission).

Submission:

Labcorp Genetics (formerly Invitae), Labcorp
Classification: Pathogenic. Last evaluated: 2025-05-18. Review status: criteria provided, single submitter. Criteria: Invitae Variant Classification Sherloc (09022015). Collection method: clinical testing. Allele origin: germline.
Comment: This sequence change creates a premature translational stop signal (p.Lys814Glnfs*76) in the SLC4A1 gene. While this is not anticipated to result in nonsense mediated decay, it is expected to disrupt the last 98 amino acid(s) of the SLC4A1 protein. This variant is not present in population databases (gnomAD no frequency). This variant has not been reported in the literature in individuals affected with SLC4A1-related conditions. This variant disrupts a region of the SLC4A1 protein in which other variant(s) (p.Met909Thr) have been determined to be pathogenic (PMID: 22518001; internal data). This suggests that this is a clinically significant region of the protein, and that variants that disrupt it are likely to be disease-causing. For these reasons, this variant has been classified as Pathogenic.

Literature cited by the submitters: PubMed 22518001.

NM_000342.4(SLC4A1):c.2439dup (p.Lys814fs)

Gene: SLC4A1 (solute carrier family 4 member 1 (Diego blood group); minus strand). Cytogenetic location: 17q21.31.
Variant type: Duplication.
Coding change: c.2439dup on transcript NM_000342.4 (MANE Select); coding-DNA position 2439, one base duplicated (C; older notation c.2439dupC).
Protein change: p.Lys814fs; shifts the reading frame from lysine 814.
Molecular consequence: frameshift variant.
Genome position (GRCh38, 1-based): chr17:44,251,461, G duplicated on the plus strand (C on the coding strand, the reverse complement: SLC4A1 is on the minus strand). VCF-style (leftmost placement, unchanged base first): chr17-44251460-T-TG. GRCh37 (hg19) VCF-style: chr17-42328828-T-TG.
Other names: short protein forms K814fs.
Identifiers: ClinVar variation 4719752 (VCV004719752.1).